The following is an entry in ClinVar:

ClinVar aggregate classification (germline): Likely benign. Review status: criteria provided, single submitter (1 of 4 stars). 2 submissions from 2 submitters: Likely benign (1). 1 of the submissions does not count toward it. Last evaluated 2023-07-24.

Conditions:
PCNT-related disorder. Also called: PCNT-related condition.

Allele frequency attached by ClinVar (database versions not stated): gnomAD exomes 0.00001; TOPMed 0.00001; ExAC 0.00002; ESP Exome Variant Server 0.00008.
gnomAD v4.1: 11 of 1,613,906 alleles (0.00068%); highest among the groups gnomAD compares: Admixed American, 0.005%; no homozygotes.

Submissions (2):

Labcorp Genetics (formerly Invitae), Labcorp
Classification: Likely benign. Last evaluated: 2023-07-24. Review status: criteria provided, single submitter. Criteria: Invitae Variant Classification Sherloc (09022015). Collection method: clinical testing. Allele origin: germline.

PreventionGenetics, part of Exact Sciences
Classification: Likely benign for PCNT-related condition. Last evaluated: 2023-09-07. Review status: no assertion criteria provided. Collection method: clinical testing. Allele origin: germline. Not counted in ClinVar's aggregate classification.
Comment: This variant is classified as likely benign based on ACMG/AMP sequence variant interpretation guidelines (Richards et al. 2015 PMID: 25741868, with internal and published modifications).

NM_006031.6(PCNT):c.7299G>A (p.Ser2433=)

Gene: PCNT (pericentrin; plus strand). Cytogenetic location: 21q22.3.
Variant type: single nucleotide variant.
Coding change: c.7299G>A on transcript NM_006031.6 (MANE Select); coding-DNA position 7299, G replaced by A.
Protein change: p.Ser2433=; no amino-acid change (serine 2433 retained).
Molecular consequence: synonymous variant.
Genome position (GRCh38, 1-based): chr21:46,425,950, G>A. VCF-style: chr21-46425950-G-A. GRCh37 (hg19) VCF-style: chr21-47845864-G-A.
Other names: c.7299G>A (NM_006031.5); c.6945G>A, p.Ser2315= (NM_001315529.2).
Identifiers: ClinVar variation 2778943 (VCV002778943.4), dbSNP rs376200003, ClinGen allele CA10080600.